The following is an entry in ClinVar:

NM_001040108.2(MLH3):c.3502T>C (p.Leu1168=)

Gene: MLH3 (mutL homolog 3; minus strand). Cytogenetic location: 14q24.3.
Variant type: single nucleotide variant.
Coding change: c.3502T>C on transcript NM_001040108.2 (MANE Select); coding-DNA position 3502, T replaced by C.
Protein change: p.Leu1168=; no amino-acid change (leucine 1168 retained).
Molecular consequence: synonymous variant.
Genome position (GRCh38, 1-based): chr14:75,039,979, A>G on the plus strand (T>C on the coding strand, the complement: MLH3 is on the minus strand). VCF-style: chr14-75039979-A-G. GRCh37 (hg19) VCF-style: chr14-75506682-A-G.
Other names: c.3502T>C, p.Leu1168= (NM_014381.3).
Identifiers: ClinVar variation 4875887 (VCV004875887.1).

ClinVar aggregate classification (germline): Benign (1 of 4 stars; one submission).

Conditions:
Colorectal cancer, hereditary nonpolyposis, type 7. Identifiers: Orphanet 144, MedGen C1858380, MONDO:0013725, OMIM 614385.

Submission:

Myriad Genetics, Inc.
Classification: Benign for Colorectal cancer, hereditary nonpolyposis, type 7. Last evaluated: 2026-05-06. Review status: criteria provided, single submitter. Criteria: Myriad Autosomal Dominant, Autosomal Recessive and X-Linked Classification Criteria (2023). Collection method: clinical testing. Allele origin: unknown.
Comment: This variant is considered benign. This variant is a silent/synonymous amino acid change and it is not expected to impact splicing.